The following is an entry in ClinVar:

ClinVar aggregate classification (germline): Likely pathogenic (1 of 4 stars; one submission).

Conditions:
X-linked chondrodysplasia punctata 1 (CDPX1). Also called: CHONDRODYSPLASIA PUNCTATA, BRACHYTELEPHALANGIC; Chondrodysplasia punctata, X-linked recessive. Identifiers: Orphanet 79345, MedGen C3669395, MONDO:0010555, OMIM 302950.

Submission:

Genetics and Molecular Pathology, SA Pathology
Classification: Likely pathogenic for X-linked chondrodysplasia punctata 1. Last evaluated: 2021-06-16. Review status: criteria provided, single submitter. Criteria: ACMG Guidelines, 2015. Collection method: clinical testing. Allele origin: germline. Inheritance: X-linked recessive inheritance. Affected: yes.
Comment: PM2, PVS1_moderate The ARSL c.1219G>T variant is a single nucleotide change which is predicted to result in a premature termination of the protein product at codon 407. This is a predicted null variant for all biologically relevant transcripts and null variants in this gene are a known mechanism of disease; criterion downgraded based on uncertain disease association, and proband may represent the more severe spectrum (PVS1_Moderate). Well-established functional studies show a deleterious effect of this variant, however, additional functional evidence is required to confirm the impact of this variant; other truncating variants downstream of this variant have been classified as pathogenic. This nonsense variant is predicted to cause protein truncation by 30% of the full length protein. If the mRNA evades NMD, the truncated protein will be void of the aryl-sulfatase (PF14707) domain, which is critical for enzyme function. This variant is absent from population databases (PM2). This variant has not been reported in dbSNP. This variant has not been reported in ClinVar. This variant has not been reported in HGMD. literature: PubMed: 1557308, PubMed: 12567415, PubMed: 16937129, PubMed: 18348268, PubMed: 20598055, PubMed: 23470839 and PubMed: 28257906.

Literature cited by the submitters: PubMed 1557308; PubMed 12567415; PubMed 16937129; PubMed 18348268; PubMed 20598055; PubMed 23470839; PubMed 28257906.

NM_000047.3(ARSL):c.1219G>T (p.Glu407Ter)

Gene: ARSL (arylsulfatase L; minus strand). Cytogenetic location: Xp22.33.
Variant type: single nucleotide variant.
Coding change: c.1219G>T on transcript NM_000047.3 (MANE Select); coding-DNA position 1219, G replaced by T.
Protein change: p.Glu407Ter; replaces glutamic acid 407 with a stop codon.
Molecular consequence: nonsense.
Genome position (GRCh38, 1-based): chrX:2,938,165, C>A on the plus strand (G>T on the coding strand, the complement: ARSL is on the minus strand). VCF-style: chrX-2938165-C-A. GRCh37 (hg19) VCF-style: chrX-2856206-C-A.
Other names: c.1294G>T, p.Glu432Ter (NM_001282628.2, NM_001369080.1); c.1057G>T, p.Glu353Ter (NM_001282631.2); c.1246G>T, p.Glu416Ter (NM_001369079.1); short protein forms E353*, E407*, E416*, E432*.
Identifiers: ClinVar variation 1698854 (VCV001698854.2), dbSNP rs1272438892, ClinGen allele CA412276970.
Genomic context (GRCh38, chrX:2,938,165, plus strand): 5'-GCACCTCGCCGCCCGCCAGCCGGACCACGGTGGGGAACACGTCCATCAGACTCGTGGGCT[C>A]GCCAATCACTCGGCCGGCCGGGAGCACCCCGGGCCAGCGGAAGATCCCGGGCACGCGGAT-3'